The following is an entry in ClinVar:

ClinVar aggregate classification (germline): Pathogenic (1 of 4 stars; one submission).

Submission:

Labcorp Genetics (formerly Invitae), Labcorp
Classification: Pathogenic. Last evaluated: 2022-04-22. Review status: criteria provided, single submitter. Criteria: Invitae Variant Classification Sherloc (09022015). Collection method: clinical testing. Allele origin: germline.
Comment: This variant is a gross deletion of the genomic region encompassing exon(s) 2-14 of the PCSK1 gene, which includes the termination codon. This deletion extends beyond the assayed region for this gene and therefore may encompass additional genes. While this deletion is not anticipated to lead to nonsense mediated decay, it is expected to alter mRNA translation or result in a truncated protein product. This variant has not been reported in the literature in individuals affected with PCSK1-related conditions. This variant disrupts a region of the PCSK1 protein in which other variant(s) (p.Gly593Arg) have been determined to be pathogenic (PMID: 9207799, 22210313, 23562752, 26786350). This suggests that this is a clinically significant region of the protein, and that variants that disrupt it are likely to be disease-causing. For these reasons, this variant has been classified as Pathogenic.

Literature cited by the submitters: PubMed 9207799; PubMed 22210313; PubMed 23562752; PubMed 26786350.

NC_000005.9:g.(?_95728705)_(95765041_?)del

Gene: PCSK1 (proprotein convertase subtilisin/kexin type 1; minus strand). Cytogenetic location: 5q15.
Variant type: Deletion.
Identifiers: ClinVar variation 2423087 (VCV002423087.3).